The following is an entry in ClinVar:

NM_147127.5(EVC2):c.194_198dup (p.Ser67fs)

Gene: EVC2 (EvC ciliary complex subunit 2; minus strand). Cytogenetic location: 4p16.2.
Variant type: Duplication.
Coding change: c.194_198dup on transcript NM_147127.5 (MANE Select); coding-DNA positions 194 to 198, 5 bases duplicated (GGCGG; older notation c.194_198dupGGCGG).
Protein change: p.Ser67fs; shifts the reading frame from serine 67.
Molecular consequence: frameshift variant. On other transcripts: intron variant (1).
Genome position (GRCh38, 1-based): chr4:5,708,316-5,708,320, CCGCC duplicated on the plus strand (GGCGG on the coding strand, the reverse complement: EVC2 is on the minus strand); duplicating any 5 consecutive bases within chr4:5,708,316-5,708,323 gives the same sequence; the c. name uses the placement nearest the transcript's 3' end. VCF-style (leftmost placement, unchanged base first): chr4-5708315-T-TCCGCC. GRCh37 (hg19) VCF-style: chr4-5710042-T-TCCGCC.
Other names: c.-13+509_-13+513dup (NM_001166136.2); c.194_198dupGGCGG (NM_147127.5); short protein forms S67fs.
Identifiers: ClinVar variation 556341 (VCV000556341.13), dbSNP rs992326794, ClinGen allele CA91731466.

ClinVar aggregate classification (germline): Pathogenic. Review status: criteria provided, multiple submitters, no conflicts (2 of 4 stars). 5 submissions from 5 submitters: Pathogenic (3). 2 of the submissions do not count toward it. Last evaluated 2025-10-29.

Conditions:
Ellis-van Creveld syndrome (EVC). Also called: Chondroectodermal dysplasia; MESOECTODERMAL DYSPLASIA. Identifiers: Orphanet 289, MedGen C0013903, MONDO:0009162, OMIM 225500.
Curry-Hall syndrome (WAD). Also called: WEYERS ACRODENTAL DYSOSTOSIS. Identifiers: Orphanet 952, MedGen C0457013, MONDO:0008673, OMIM 193530.

Submissions (5):

Dasa
Classification: Pathogenic. Last evaluated: 2025-10-29. Review status: criteria provided, single submitter. Criteria: DASA Assertion Criteria. Collection method: clinical testing. Allele origin: germline.
Comment: NM_147127.5(EVC2):c.194_198dup (p.Ser67Glyfs*17) introduces a premature termination codon predicted to result in loss of normal protein function. Loss-of-function is an established mechanism of disease for this gene. Segregation evidence has been reported in affected families. This variant has been observed in affected individuals with related phenotype in a genotype context consistent with recessive disease (PMID: 7218275; PMID: 17024374). This variant has been recurrently observed in individuals with related phenotype (PMID: 7218275; PMID: 17024374). The variant is present at low frequency in population datasets. Based on the available data, this variant is classified as pathogenic.

Women's Health and Genetics/Laboratory Corporation of America, LabCorp
Classification: Pathogenic for Ellis-van Creveld syndrome. Last evaluated: 2024-01-11. Review status: criteria provided, single submitter. Criteria: LabCorp Variant Classification Summary - May 2015. Collection method: clinical testing. Allele origin: germline.
Comment: Variant summary: EVC2 c.194_198dupGGCGG (p.Ser67GlyfsX17) results in a premature termination codon and is predicted to cause absence of the protein due to nonsense mediated decay, a commonly known mechanism for disease. The variant was absent in 31290 control chromosomes (gnomAD). c.194_198dupGGCGG has been reported in the literature as a biallelic genotype in at least one individual affected with Ellis-van Creveld syndrome (e.g. Tompson_2007). These data indicate that the variant is very likely associated with disease. To our knowledge, no experimental evidence demonstrating an impact on protein function has been reported. The following publication has been ascertained in the context of this evaluation (PMID: 17024374). ClinVar contains an entry for this variant (Variation ID: 556341). Based on the evidence outlined above, the variant was classified as pathogenic.

Labcorp Genetics (formerly Invitae), Labcorp
Classification: Pathogenic for Curry-Hall syndrome; Ellis-van Creveld syndrome. Last evaluated: 2023-11-21. Review status: criteria provided, single submitter. Criteria: Invitae Variant Classification Sherloc (09022015). Collection method: clinical testing. Allele origin: germline.
Comment: This sequence change creates a premature translational stop signal (p.Ser67Glyfs*17) in the EVC2 gene. It is expected to result in an absent or disrupted protein product. Loss-of-function variants in EVC2 are known to be pathogenic (PMID: 17024374, 19810119, 19876929). This variant is not present in population databases (gnomAD no frequency). This premature translational stop signal has been observed in individual(s) with EVC2-related conditions (PMID: 12571802). This variant is also known as c.198insGGCGG. ClinVar contains an entry for this variant (Variation ID: 556341). For these reasons, this variant has been classified as Pathogenic.

Counsyl
Classification: Likely pathogenic for Ellis-van Creveld syndrome. Last evaluated: 2018-01-25. Review status: no assertion criteria provided. Collection method: clinical testing. Allele origin: unknown. Not counted in ClinVar's aggregate classification.

OMIM
Classification: Pathogenic for ELLIS-VAN CREVELD SYNDROME. Last evaluated: 2003-03-01. Review status: no assertion criteria provided. Collection method: literature only. Allele origin: germline. Not counted in ClinVar's aggregate classification.

Literature cited by the submitters: PubMed 7218275 (cited by Dasa and OMIM); PubMed 17024374 (cited by 4 submitters); PubMed 19810119 (cited by Labcorp Genetics (formerly Invitae), Labcorp); PubMed 19876929 (cited by Labcorp Genetics (formerly Invitae), Labcorp); PubMed 12571802 (cited by Labcorp Genetics (formerly Invitae), Labcorp and OMIM).